The following is an entry in ClinVar:

ClinVar aggregate classification (germline): Pathogenic (1 of 4 stars; one submission).

Conditions:
Early-infantile DEE. Also called: Early infantile epileptic encephalopathy with suppression bursts; Early infantile epileptic encephalopathy; Ohtahara syndrome. Identifiers: Orphanet 1934, MedGen C0393706, MONDO:0800491.

Submission:

Labcorp Genetics (formerly Invitae), Labcorp
Classification: Pathogenic for Early-infantile DEE. Last evaluated: 2022-02-04. Review status: criteria provided, single submitter. Criteria: Invitae Variant Classification Sherloc (09022015). Collection method: clinical testing. Allele origin: germline.
Comment: This variant is not present in population databases (gnomAD no frequency). This sequence change replaces glutamine, which is neutral and polar, with leucine, which is neutral and non-polar, at codon 910 of the SCN1A protein (p.Gln910Leu). Advanced modeling of protein sequence and biophysical properties (such as structural, functional, and spatial information, amino acid conservation, physicochemical variation, residue mobility, and thermodynamic stability) performed at Invitae indicates that this missense variant is expected to disrupt SCN1A protein function. For these reasons, this variant has been classified as Pathogenic. This missense change has been observed in individual(s) with Dravet syndrome (PMID: 28012175). In at least one individual the variant was observed to be de novo. ClinVar contains an entry for this variant (Variation ID: 651591).

Literature cited by the submitters: PubMed 28012175.

NM_001165963.4(SCN1A):c.2729A>T (p.Gln910Leu)

Gene: SCN1A (sodium voltage-gated channel alpha subunit 1; minus strand). Cytogenetic location: 2q24.3.
Variant type: single nucleotide variant.
Coding change: c.2729A>T on transcript NM_001165963.4 (MANE Select); coding-DNA position 2729, A replaced by T.
Protein change: p.Gln910Leu; replaces glutamine 910 with leucine.
Molecular consequence: missense variant. On other transcripts: non-coding transcript variant (1).
Genome position (GRCh38, 1-based): chr2:166,037,993, T>A on the plus strand (A>T on the coding strand, the complement: SCN1A is on the minus strand). VCF-style: chr2-166037993-T-A. GRCh37 (hg19) VCF-style: chr2-166894503-T-A.
Other names: c.2645A>T, p.Gln882Leu (NM_001165964.3, NM_001353957.2, NM_001353958.2); c.2729A>T, p.Gln910Leu (NM_001202435.3, NM_001353948.2); c.2696A>T, p.Gln899Leu (NM_001353949.2, NM_001353950.2, NM_001353951.2 and 2 more transcripts); c.2693A>T, p.Gln898Leu (NM_001353954.2, NM_001353955.2); c.2642A>T, p.Gln881Leu (NM_001353960.2); c.287A>T, p.Gln96Leu (NM_001353961.2); short protein forms Q882L, Q881L, Q899L, Q910L, Q898L, Q96L.
Identifiers: ClinVar variation 651591 (VCV000651591.9), dbSNP rs1064795735, ClinGen allele CA349061509.